The following is an entry in ClinVar:

NC_000003.12:g.108518915A>G

Gene: MYH15 (myosin heavy chain 15; minus strand). Cytogenetic location: 3q13.13.
Variant type: single nucleotide variant.
Genome position: GRCh38 VCF-style: chr3-108518915-A-G. GRCh37 (hg19) VCF-style: chr3-108237762-A-G.
Identifiers: ClinVar variation 1275125 (VCV001275125.2), dbSNP rs7635009, ClinGen allele CA11508120.

ClinVar aggregate classification (germline): Benign (1 of 4 stars; one submission).

Allele frequency attached by ClinVar (database versions not stated): gnomAD 0.13568 and 0.14159; TOPMed 0.13809; 1000 Genomes Project 30x 0.18223; 1000 Genomes Project 0.18910.
gnomAD v4.1: 21,607 of 152,238 alleles (14%); highest among the groups gnomAD compares: East Asian, 39%; 1,836 homozygotes.

Submission:

GeneDx
Classification: Benign. Last evaluated: 2019-10-17. Review status: criteria provided, single submitter. Criteria: GeneDx Variant Classification Process June 2021. Collection method: clinical testing. Allele origin: germline. Affected: yes.
Comment: This variant is associated with the following publications: (PMID: 30906771)